The following is an entry in ClinVar:

NM_001844.5(COL2A1):c.786A>C (p.Lys262Asn)

Gene: COL2A1 (collagen type II alpha 1 chain; minus strand). Cytogenetic location: 12q13.11.
Variant type: single nucleotide variant.
Coding change: c.786A>C on transcript NM_001844.5 (MANE Select); coding-DNA position 786, A replaced by C.
Protein change: p.Lys262Asn; replaces lysine 262 with asparagine.
Molecular consequence: missense variant.
Genome position (GRCh38, 1-based): chr12:47,994,454, T>G on the plus strand (A>C on the coding strand, the complement: COL2A1 is on the minus strand). VCF-style: chr12-47994454-T-G. GRCh37 (hg19) VCF-style: chr12-48388237-T-G.
Other names: c.579A>C, p.Lys193Asn (NM_033150.3); short protein forms K193N, K262N.
Identifiers: ClinVar variation 4882839 (VCV004882839.2).
Genomic context (GRCh38, chr12:47,994,454, plus strand): 5'-ATGCCTGAGGCTGGGAACGGTGGCGTTTACCTGAGGACCAGGCGGACCCCTTTCACCAGC[T>G]TTTCCAGGTTTTCCAGCTTCACCCTGAAGGGAGAGAGAGAGATATCCCAGCTTCCTCAGA-3'
Protein context (NP_001835.3, residues 252-272): GDDGEAGKPG[Lys262Asn]AGERGPPGPQ

ClinVar aggregate classification (germline): Uncertain significance (1 of 4 stars; one submission).

Submission:

Dasa
Classification: Uncertain significance. Last evaluated: 2025-10-08. Review status: criteria provided, single submitter. Criteria: DASA Assertion Criteria. Collection method: clinical testing. Allele origin: germline.
Comment: NM_001844.5(COL2A1):c.786A>C (p.Lys262Asn) is a missense variant that results in the substitution of lysine with asparagine. This variant is absent from population databases. The currently available literature and clinical evidence are not sufficient to establish a definitive association between this variant and the reported condition. Therefore, this variant is classified as a variant of uncertain significance.